The following is an entry in ClinVar:

NM_001098.3(ACO2):c.486C>T (p.Gly162=)

Gene: ACO2 (aconitase 2; plus strand). Cytogenetic location: 22q13.2.
Variant type: single nucleotide variant.
Coding change: c.486C>T on transcript NM_001098.3 (MANE Select); coding-DNA position 486, C replaced by T.
Protein change: p.Gly162=; no amino-acid change (glycine 162 retained).
Molecular consequence: synonymous variant.
Genome position (GRCh38, 1-based): chr22:41,511,929, C>T. VCF-style: chr22-41511929-C-T. GRCh37 (hg19) VCF-style: chr22-41907933-C-T.
Other names: p.G162G:GGC>GGT; p.Gly162=.
Identifiers: ClinVar variation 136262 (VCV000136262.15), dbSNP rs58996446, ClinGen allele CA289259.

ClinVar aggregate classification (germline): Benign. Review status: criteria provided, multiple submitters, no conflicts (2 of 4 stars). 4 submissions from 4 submitters: Benign (4). Last evaluated 2026-01-24.

Allele frequency attached by ClinVar (database versions not stated): 1000 Genomes Project 0.00859; gnomAD 0.01050 and 0.00971; gnomAD exomes 0.00259 and 0.00113; ExAC 0.00379; 1000 Genomes Project 30x 0.00968; TOPMed 0.01146; ESP Exome Variant Server 0.01199.
gnomAD v4.1: 3,218 of 1,610,894 alleles (0.2%); highest among the groups gnomAD compares: African/African-American, 3.4%; 51 homozygotes.

Submissions (20):

Labcorp Genetics (formerly Invitae), Labcorp
Classification: Benign. Last evaluated: 2026-01-24. Review status: criteria provided, single submitter. Criteria: Invitae Variant Classification Sherloc (09022015). Collection method: clinical testing. Allele origin: germline.

Mayo Clinic Laboratories, Mayo Clinic
Classification: Benign. Last evaluated: 2024-08-12. Review status: criteria provided, single submitter. Criteria: ACMG Guidelines, 2015. Collection method: clinical testing. Allele origin: germline. Observed: 18 variant alleles.
Comment: BS1, BS2, BP4, BP7

GeneDx
Classification: Benign. Last evaluated: 2014-04-25. Review status: criteria provided, single submitter. Criteria: GeneDx Variant Classification (06012015). Collection method: clinical testing. Allele origin: germline. Affected: yes.
Comment: This variant is considered likely benign or benign based on one or more of the following criteria: it is a conservative change, it occurs at a poorly conserved position in the protein, it is predicted to be benign by multiple in silico algorithms, and/or has population frequency not consistent with disease.

Breakthrough Genomics
Classification: Benign. Review status: criteria provided, single submitter. Criteria: ACMG Guidelines, 2015. Collection method: not provided. Allele origin: germline. Inheritance: Autosomal recessive inheritance. Affected: yes.

Dr. Peter K. Rogan Lab, Western University
No classification provided (evidence only). Condition: Clear cell carcinoma of kidney. Review status: no classification provided. Collection method: in vitro. Allele origin: not applicable. Functional consequence: retained intron. Not counted in ClinVar's aggregate classification.

Dr. Peter K. Rogan Lab, Western University
No classification provided (evidence only). Condition: Clear cell carcinoma of kidney. Review status: no classification provided. Collection method: in vitro. Allele origin: not applicable. Functional consequence: retained intron. Not counted in ClinVar's aggregate classification.

Dr. Peter K. Rogan Lab, Western University
No classification provided (evidence only). Condition: Clear cell carcinoma of kidney. Review status: no classification provided. Collection method: in vitro. Allele origin: not applicable. Functional consequence: retained intron. Not counted in ClinVar's aggregate classification.

Dr. Peter K. Rogan Lab, Western University
No classification provided (evidence only). Condition: Acute myeloid leukemia. Review status: no classification provided. Collection method: in vitro. Allele origin: not applicable. Functional consequence: retained intron. Not counted in ClinVar's aggregate classification.

Dr. Peter K. Rogan Lab, Western University
No classification provided (evidence only). Condition: Colon adenocarcinoma. Review status: no classification provided. Collection method: in vitro. Allele origin: not applicable. Functional consequence: retained intron. Not counted in ClinVar's aggregate classification.

Dr. Peter K. Rogan Lab, Western University
No classification provided (evidence only). Condition: Uterine corpus endometrial carcinoma. Review status: no classification provided. Collection method: in vitro. Allele origin: not applicable. Functional consequence: retained intron. Not counted in ClinVar's aggregate classification.

Dr. Peter K. Rogan Lab, Western University
No classification provided (evidence only). Condition: Cervical cancer. Review status: no classification provided. Collection method: in vitro. Allele origin: not applicable. Functional consequence: retained intron. Not counted in ClinVar's aggregate classification.

Dr. Peter K. Rogan Lab, Western University
No classification provided (evidence only). Condition: Cervical cancer. Review status: no classification provided. Collection method: in vitro. Allele origin: not applicable. Functional consequence: retained intron. Not counted in ClinVar's aggregate classification.

Dr. Peter K. Rogan Lab, Western University
No classification provided (evidence only). Condition: Cervical cancer. Review status: no classification provided. Collection method: in vitro. Allele origin: not applicable. Functional consequence: retained intron. Not counted in ClinVar's aggregate classification.

Dr. Peter K. Rogan Lab, Western University
No classification provided (evidence only). Condition: Sarcoma. Review status: no classification provided. Collection method: in vitro. Allele origin: not applicable. Functional consequence: retained intron. Not counted in ClinVar's aggregate classification.

Dr. Peter K. Rogan Lab, Western University
No classification provided (evidence only). Condition: Thymoma. Review status: no classification provided. Collection method: in vitro. Allele origin: not applicable. Functional consequence: retained intron. Not counted in ClinVar's aggregate classification.

Dr. Peter K. Rogan Lab, Western University
No classification provided (evidence only). Condition: Thymoma. Review status: no classification provided. Collection method: in vitro. Allele origin: not applicable. Functional consequence: retained intron. Not counted in ClinVar's aggregate classification.

Dr. Peter K. Rogan Lab, Western University
No classification provided (evidence only). Condition: Ovarian serous cystadenocarcinoma. Review status: no classification provided. Collection method: in vitro. Allele origin: not applicable. Functional consequence: retained intron. Not counted in ClinVar's aggregate classification.

Dr. Peter K. Rogan Lab, Western University
No classification provided (evidence only). Condition: Gastric cancer. Review status: no classification provided. Collection method: in vitro. Allele origin: not applicable. Functional consequence: retained intron. Not counted in ClinVar's aggregate classification.

Dr. Peter K. Rogan Lab, Western University
No classification provided (evidence only). Condition: Gastric cancer. Review status: no classification provided. Collection method: in vitro. Allele origin: not applicable. Functional consequence: retained intron. Not counted in ClinVar's aggregate classification.

Dr. Peter K. Rogan Lab, Western University
No classification provided (evidence only). Condition: Malignant tumor of esophagus. Review status: no classification provided. Collection method: in vitro. Allele origin: not applicable. Functional consequence: retained intron. Not counted in ClinVar's aggregate classification.